The following is an entry in ClinVar:

ClinVar aggregate classification (germline): Uncertain significance. Review status: criteria provided, multiple submitters, no conflicts (2 of 4 stars). 2 submissions from 2 submitters: Uncertain significance (2). Last evaluated 2025-04-11.

Conditions:
Hereditary cancer-predisposing syndrome. Also called: Hereditary Cancer Syndrome; Hereditary neoplastic syndrome; Neoplastic Syndromes, Hereditary; Tumor predisposition. Identifiers: Orphanet 140162, MedGen C0027672, MeSH D009386, MONDO:0015356.
Gorlin syndrome. Also called: Nevoid Basal Cell Carcinoma Syndrome; Basal cell nevus syndrome. Identifiers: Orphanet 377, MedGen C0004779, MONDO:0007187.

Submissions (2):

Ambry Genetics
Classification: Uncertain significance for Hereditary cancer-predisposing syndrome. Last evaluated: 2025-04-11. Review status: criteria provided, single submitter. Criteria: Ambry Variant Classification Scheme 2023. Collection method: clinical testing. Allele origin: germline.
Comment: The p.P1198L variant (also known as c.3593C>T), located in coding exon 22 of the PTCH1 gene, results from a C to T substitution at nucleotide position 3593. The proline at codon 1198 is replaced by leucine, an amino acid with similar properties. This amino acid position is conserved. In addition, the in silico prediction for this alteration is inconclusive. Based on the available evidence, the clinical significance of this variant remains unclear.

Labcorp Genetics (formerly Invitae), Labcorp
Classification: Uncertain significance for Gorlin syndrome. Last evaluated: 2023-10-28. Review status: criteria provided, single submitter. Criteria: Invitae Variant Classification Sherloc (09022015). Collection method: clinical testing. Allele origin: germline.
Comment: This sequence change replaces proline, which is neutral and non-polar, with leucine, which is neutral and non-polar, at codon 1198 of the PTCH1 protein (p.Pro1198Leu). This variant is not present in population databases (gnomAD no frequency). This variant has not been reported in the literature in individuals affected with PTCH1-related conditions. Advanced modeling of protein sequence and biophysical properties (such as structural, functional, and spatial information, amino acid conservation, physicochemical variation, residue mobility, and thermodynamic stability) performed at Invitae indicates that this missense variant is not expected to disrupt PTCH1 protein function with a negative predictive value of 95%. In summary, the available evidence is currently insufficient to determine the role of this variant in disease. Therefore, it has been classified as a Variant of Uncertain Significance.

NM_000264.5(PTCH1):c.3593C>T (p.Pro1198Leu)

Gene: PTCH1 (patched 1; minus strand). Cytogenetic location: 9q22.32.
Variant type: single nucleotide variant.
Coding change: c.3593C>T on transcript NM_000264.5 (MANE Select); coding-DNA position 3593, C replaced by T.
Protein change: p.Pro1198Leu; replaces proline 1198 with leucine.
Molecular consequence: missense variant. On other transcripts: non-coding transcript variant (1).
Genome position (GRCh38, 1-based): chr9:95,449,280, G>A on the plus strand (C>T on the coding strand, the complement: PTCH1 is on the minus strand). VCF-style: chr9-95449280-G-A. GRCh37 (hg19) VCF-style: chr9-98211562-G-A.
Other names: c.3395C>T, p.Pro1132Leu (NM_001083602.3); c.3590C>T, p.Pro1197Leu (NM_001083603.3); c.3140C>T, p.Pro1047Leu (NM_001083604.3, NM_001083605.3, NM_001083606.3 and 1 more transcripts); c.3437C>T, p.Pro1146Leu (NM_001354918.2); short protein forms P1146L, P1198L, P1132L, P1197L, P1047L.
Identifiers: ClinVar variation 2870788 (VCV002870788.4), dbSNP rs1564008924, ClinGen allele CA374111333.
Genomic context (GRCh38, chr9:95,449,280, plus strand): 5'-GACCCGCTGTGCGTGTGGCCGGGCGGCATGGCGAAGCGGACCACGCTGGGGGGTGGCTCA[G>A]GGGAGGGTGTGGGCAGGCGGTTCAAGCCGTTGGCTGGAGACACCTATTTAAGGGGATTCC-3'
Protein context (NP_000255.2, residues 1188-1208): NGLNRLPTPS[Pro1198Leu]EPPPSVVRFA